The following is an entry in ClinVar:

ClinVar aggregate classification (germline): Uncertain significance (1 of 4 stars; one submission).

Submission:

Ambry Genetics
Classification: Uncertain significance. Last evaluated: 2024-05-25. Review status: criteria provided, single submitter. Criteria: Ambry Variant Classification Scheme 2023. Collection method: clinical testing. Allele origin: germline.
Comment: The p.N191S variant (also known as c.572A>G), located in coding exon 4 of the MNDA gene, results from an A to G substitution at nucleotide position 572. The asparagine at codon 191 is replaced by serine, an amino acid with highly similar properties. This amino acid position is conserved. In addition, this alteration is predicted to be tolerated by in silico analysis. Based on the available evidence, the clinical significance of this variant remains unclear.

NM_002432.3(MNDA):c.572A>G (p.Asn191Ser)

Gene: MNDA (myeloid cell nuclear differentiation antigen; plus strand). Cytogenetic location: 1q23.1.
Variant type: single nucleotide variant.
Coding change: c.572A>G on transcript NM_002432.3 (MANE Select); coding-DNA position 572, A replaced by G.
Protein change: p.Asn191Ser; replaces asparagine 191 with serine.
Molecular consequence: missense variant.
Genome position (GRCh38, 1-based): chr1:158,845,588, A>G. VCF-style: chr1-158845588-A-G. GRCh37 (hg19) VCF-style: chr1-158815378-A-G.
Other names: short protein forms N191S.
Identifiers: ClinVar variation 3295420 (VCV003295420.1).